The following is an entry in ClinVar:

ClinVar aggregate classification (germline): Uncertain significance (1 of 4 stars; one submission).

Allele frequency attached by ClinVar (database versions not stated): gnomAD exomes below 0.00001.
gnomAD v4.1: 3 of 1,611,700 alleles (0.00019%); highest among the groups gnomAD compares: Non-Finnish European, 0.00025%; no homozygotes.

Submission:

Labcorp Genetics (formerly Invitae), Labcorp
Classification: Uncertain significance. Last evaluated: 2024-01-09. Review status: criteria provided, single submitter. Criteria: Invitae Variant Classification Sherloc (09022015). Collection method: clinical testing. Allele origin: germline.
Comment: This sequence change replaces isoleucine, which is neutral and non-polar, with threonine, which is neutral and polar, at codon 324 of the ARIH1 protein (p.Ile324Thr). This variant is not present in population databases (gnomAD no frequency). This variant has not been reported in the literature in individuals affected with ARIH1-related conditions. An algorithm developed to predict the effect of missense changes on protein structure and function (PolyPhen-2) suggests that this variant is likely to be disruptive. In summary, the available evidence is currently insufficient to determine the role of this variant in disease. Therefore, it has been classified as a Variant of Uncertain Significance.

NM_005744.5(ARIH1):c.971T>C (p.Ile324Thr)

Gene: ARIH1 (ariadne RBR E3 ubiquitin protein ligase 1; plus strand). Cytogenetic location: 15q24.1.
Variant type: single nucleotide variant.
Coding change: c.971T>C on transcript NM_005744.5 (MANE Select); coding-DNA position 971, T replaced by C.
Protein change: p.Ile324Thr; replaces isoleucine 324 with threonine.
Molecular consequence: missense variant.
Genome position (GRCh38, 1-based): chr15:72,567,122, T>C. VCF-style: chr15-72567122-T-C. GRCh37 (hg19) VCF-style: chr15-72859463-T-C.
Other names: short protein forms I324T.
Identifiers: ClinVar variation 2708402 (VCV002708402.3), dbSNP rs2542765941, ClinGen allele CA393240823.